The following is an entry in ClinVar:

NM_032242.4(PLXNA1):c.1747G>A (p.Val583Met)

Gene: PLXNA1 (plexin A1; plus strand). Cytogenetic location: 3q21.3.
Variant type: single nucleotide variant.
Coding change: c.1747G>A on transcript NM_032242.4 (MANE Select); coding-DNA position 1747, G replaced by A.
Protein change: p.Val583Met; replaces valine 583 with methionine.
Molecular consequence: missense variant.
Genome position (GRCh38, 1-based): chr3:127,005,093, G>A. VCF-style: chr3-127005093-G-A. GRCh37 (hg19) VCF-style: chr3-126723936-G-A.
Other names: short protein forms V583M.
Identifiers: ClinVar variation 2628567 (VCV002628567.3), dbSNP rs773489726, ClinGen allele CA2593357.

ClinVar aggregate classification (germline): Uncertain significance. Review status: criteria provided, single submitter (1 of 4 stars). 2 submissions from 2 submitters: Uncertain significance (1). 1 of the submissions does not count toward it. Last evaluated 2025-08-29.

Conditions:
PLXNA1-related disorder. Also called: PLXNA1-related condition.

Allele frequency attached by ClinVar (database versions not stated): gnomAD exomes 0.00001; ExAC 0.00002.
gnomAD v4.1: 5 of 1,612,594 alleles (0.00031%); highest among the groups gnomAD compares: Admixed American, 0.0083%; no homozygotes.

Submissions (2):

Ambry Genetics
Classification: Uncertain significance. Last evaluated: 2025-08-29. Review status: criteria provided, single submitter. Criteria: Ambry Variant Classification Scheme 2023. Collection method: clinical testing. Allele origin: germline.

PreventionGenetics, part of Exact Sciences
Classification: Uncertain significance for PLXNA1-related condition. Last evaluated: 2024-07-01. Review status: no assertion criteria provided. Collection method: clinical testing. Allele origin: germline. Not counted in ClinVar's aggregate classification.
Comment: The PLXNA1 c.1747G>A variant is predicted to result in the amino acid substitution p.Val583Met. To our knowledge, this variant has not been reported in the literature. This variant is reported in 0.014% of alleles in individuals of Latino descent in gnomAD. At this time, the clinical significance of this variant is uncertain due to the absence of conclusive functional and genetic evidence.